The following is an entry in ClinVar:

NM_001366385.1(CARD14):c.1918G>A (p.Val640Met)

Genes: SGSH (N-sulfoglucosamine sulfohydrolase; minus strand), CARD14 (caspase recruitment domain family member 14; plus strand). Cytogenetic location: 17q25.3.
Variant type: single nucleotide variant.
Coding change: c.1918G>A on transcript NM_001366385.1 (MANE Select); coding-DNA position 1918, G replaced by A.
Protein change: p.Val640Met; replaces valine 640 with methionine.
Molecular consequence: missense variant. On other transcripts: non-coding transcript variant (1).
Genome position (GRCh38, 1-based): chr17:80,201,810, G>A. VCF-style: chr17-80201810-G-A. GRCh37 (hg19) VCF-style: chr17-78175609-G-A.
Other names: c.1918G>A, p.Val640Met (NM_001257970.1, NM_024110.4); c.1918G>A (NM_024110.3); short protein forms V640M.
Identifiers: ClinVar variation 856977 (VCV000856977.11), dbSNP rs751439750, ClinGen allele CA8817116.

ClinVar aggregate classification (germline): Uncertain significance. Review status: criteria provided, multiple submitters, no conflicts (2 of 4 stars). 2 submissions from 2 submitters: Uncertain significance (2). Last evaluated 2025-11-08.

Conditions:
Inborn genetic diseases. Identifiers: MedGen C0950123, MeSH D030342.
Pityriasis rubra pilaris (PRP). Also called: Pityriasis rubra pilaris--familial type. Identifiers: Orphanet 2897, MedGen C0032027, MONDO:0100017, OMIM 173200, MONDO:0008251.
Psoriasis 2. Identifiers: MedGen C1864497, MONDO:0011269, OMIM 602723.

Allele frequency attached by ClinVar (database versions not stated): gnomAD 0.00002 and 0.00005; gnomAD exomes 0.00002 and 0.00004; TOPMed 0.00002; ExAC 0.00005.
gnomAD v4.1: 38 of 1,613,818 alleles (0.0024%); highest among the groups gnomAD compares: Middle Eastern, 0.016%; 1 homozygote.

Submissions (2):

Labcorp Genetics (formerly Invitae), Labcorp
Classification: Uncertain significance for Pityriasis rubra pilaris; Psoriasis 2. Last evaluated: 2025-11-08. Review status: criteria provided, single submitter. Criteria: Invitae Variant Classification Sherloc (09022015). Collection method: clinical testing. Allele origin: germline.
Comment: This sequence change replaces valine, which is neutral and non-polar, with methionine, which is neutral and non-polar, at codon 640 of the CARD14 protein (p.Val640Met). This variant is present in population databases (rs751439750, gnomAD 0.01%). This variant has not been reported in the literature in individuals affected with CARD14-related conditions. ClinVar contains an entry for this variant (Variation ID: 856977). Invitae Evidence Modeling of protein sequence and biophysical properties (such as structural, functional, and spatial information, amino acid conservation, physicochemical variation, residue mobility, and thermodynamic stability) indicates that this missense variant is not expected to disrupt CARD14 protein function with a negative predictive value of 95%. In summary, the available evidence is currently insufficient to determine the role of this variant in disease. Therefore, it has been classified as a Variant of Uncertain Significance.

Ambry Genetics
Classification: Uncertain significance for Inborn genetic diseases. Last evaluated: 2025-02-01. Review status: criteria provided, single submitter. Criteria: Ambry Variant Classification Scheme 2023. Collection method: clinical testing. Allele origin: germline.